The following is an entry in ClinVar:

ClinVar aggregate classification (germline): Uncertain significance (1 of 4 stars; one submission).

Conditions:
Hereditary cancer-predisposing syndrome. Also called: Tumor predisposition; Hereditary Cancer Syndrome; Hereditary neoplastic syndrome; Neoplastic Syndromes, Hereditary. Identifiers: Orphanet 140162, MedGen C0027672, MeSH D009386, MONDO:0015356.

Submission:

Ambry Genetics
Classification: Uncertain significance for Hereditary cancer-predisposing syndrome. Last evaluated: 2026-02-10. Review status: criteria provided, single submitter. Criteria: Ambry Variant Classification Scheme 2023. Collection method: clinical testing. Allele origin: germline.
Comment: The c.1764-44_1764-5del40ins40 intronic variant, located in intron 12 of the MSH3 gene, results from an in-frame deletion of 40 nucleotides and the insertion of 40 nucleotides (TCTATATTCTGAATTCCTAACATATCTGATTATTGCTATT) at nucleotide position 1764. This nucleotide region is not well conserved in available vertebrate species. Using the BDGP and ESEfinder splice site prediction tools, this alteration is predicted to weaken the native acceptor splice site; however, direct evidence is unavailable. Based on the available evidence, the clinical significance of this variant remains unclear.

NM_002439.5(MSH3):c.1764-44_1764-5delinsTCTATATTCTGAATTCCTAACATATCTGATTATTGCTATT

Gene: MSH3 (mutS homolog 3; plus strand). Cytogenetic location: 5q14.1.
Variant type: Indel.
Coding change: c.1764-44_1764-5delinsTCTATATTCTGAATTCCTAACATATCTGATTATTGCTATT on transcript NM_002439.5 (MANE Select); 44 bases into the intron before coding-DNA position 1764 through 5 bases into the intron before coding-DNA position 1764, the reference bases replaced by an inserted sequence.
Molecular consequence: intron variant.
Genome position (GRCh38, 1-based): chr5:80,761,502-80,761,541, 40 bases replaced. GRCh37 (hg19): chr5:80,057,321-80,057,360.
Identifiers: ClinVar variation 1779632 (VCV001779632.3), dbSNP rs2546769891, ClinGen allele CA2580073501.